The following is an entry in ClinVar:

ClinVar aggregate classification (germline): Uncertain significance (1 of 4 stars; one submission).

Submission:

Labcorp Genetics (formerly Invitae), Labcorp
Classification: Uncertain significance. Last evaluated: 2022-04-15. Review status: criteria provided, single submitter. Criteria: Invitae Variant Classification Sherloc (09022015). Collection method: clinical testing. Allele origin: germline.
Comment: This variant has not been reported in the literature in individuals affected with HMCN1-related conditions. In summary, the available evidence is currently insufficient to determine the role of this variant in disease. Therefore, it has been classified as a Variant of Uncertain Significance. This variant is not present in population databases (gnomAD no frequency). This sequence change creates a premature translational stop signal (p.Arg949Glufs*50) in the HMCN1 gene. It is expected to result in an absent or disrupted protein product. However, the current clinical and genetic evidence is not sufficient to establish whether loss-of-function variants in HMCN1 cause disease.

NM_031935.3(HMCN1):c.2845del (p.Arg949fs)

Gene: HMCN1 (hemicentin 1; plus strand). Cytogenetic location: 1q31.1.
Variant type: Deletion.
Coding change: c.2845del on transcript NM_031935.3 (MANE Select); coding-DNA position 2845, one base deleted (A; older notation c.2845delA).
Protein change: p.Arg949fs; shifts the reading frame from arginine 949.
Molecular consequence: frameshift variant.
Genome position (GRCh38, 1-based): chr1:185,984,223, A deleted; the last of 3 consecutive A bases (chr1:185,984,221-185,984,223); deleting any one gives the same sequence. VCF-style (leftmost placement, unchanged base first): chr1-185984220-GA-G. GRCh37 (hg19) VCF-style: chr1-185953352-GA-G.
Other names: short protein forms R949fs.
Identifiers: ClinVar variation 2126370 (VCV002126370.4), dbSNP rs2527366658, ClinGen allele CA2580061668.
Genomic context (GRCh38, chr1:185,984,220, plus strand): 5'-TCCTTTAAGTTGCTCCAAAATCCTTACATCACTGTGCGCAGTGATGGGAGCCTCCATATT[GA>G]AAGAGTTCAGCTTCAGGATGGTGGTGAATATACTTGTGTGGCCAGTAACGTTGCTGGGAC-3'